The following is an entry in ClinVar:

ClinVar aggregate classification (germline): Uncertain significance (1 of 4 stars; one submission).

Conditions:
Autosomal dominant Parkinson disease 8. Also called: Parkinson disease 8, susceptibility to; LRRK2-Related Parkinson Disease; Parkinson disease 8. Identifiers: Orphanet 411602, MedGen C1846862, MONDO:0011764, OMIM 607060.

Allele frequency attached by ClinVar (database versions not stated): gnomAD exomes below 0.00001 and 0.00002; gnomAD 0.00001; TOPMed 0.00002.
gnomAD v4.1: 29 of 1,611,070 alleles (0.0018%); highest among the groups gnomAD compares: Non-Finnish European, 0.0023%; no homozygotes.

Submission:

Labcorp Genetics (formerly Invitae), Labcorp
Classification: Uncertain significance for Autosomal dominant Parkinson disease 8. Last evaluated: 2023-06-26. Review status: criteria provided, single submitter. Criteria: Invitae Variant Classification Sherloc (09022015). Collection method: clinical testing. Allele origin: germline.
Comment: This variant has not been reported in the literature in individuals affected with LRRK2-related conditions. ClinVar contains an entry for this variant (Variation ID: 631544). In summary, the available evidence is currently insufficient to determine the role of this variant in disease. Therefore, it has been classified as a Variant of Uncertain Significance. This variant is present in population databases (no rsID available, gnomAD 0.0009%). This sequence change creates a premature translational stop signal (p.Arg918*) in the LRRK2 gene. It is expected to result in an absent or disrupted protein product. However, the current clinical and genetic evidence is not sufficient to establish whether loss-of-function variants in LRRK2 cause disease.

NM_198578.4(LRRK2):c.2752C>T (p.Arg918Ter)

Gene: LRRK2 (leucine rich repeat kinase 2; plus strand). Cytogenetic location: 12q12.
Variant type: single nucleotide variant.
Coding change: c.2752C>T on transcript NM_198578.4 (MANE Select); coding-DNA position 2752, C replaced by T.
Protein change: p.Arg918Ter; replaces arginine 918 with a stop codon.
Molecular consequence: nonsense.
Genome position (GRCh38, 1-based): chr12:40,293,607, C>T. VCF-style: chr12-40293607-C-T. GRCh37 (hg19) VCF-style: chr12-40687409-C-T.
Other names: short protein forms R918*.
Identifiers: ClinVar variation 631544 (VCV000631544.7), dbSNP rs957794216, ClinGen allele CA235345684.